The following is an entry in ClinVar:

ClinVar aggregate classification (germline): Likely benign. Review status: criteria provided, multiple submitters, no conflicts (2 of 4 stars). 2 submissions from 2 submitters: Likely benign (2). Last evaluated 2026-08-01.

Allele frequency attached by ClinVar (database versions not stated): TOPMed 0.00002; 1000 Genomes Project 0.00080; 1000 Genomes Project 30x 0.00094.
gnomAD v4.1: 45 of 1,599,162 alleles (0.0028%); highest among the groups gnomAD compares: Admixed American, 0.018%; no homozygotes.

Submissions (2):

CeGaT Center for Human Genetics Tuebingen
Classification: Likely benign. Last evaluated: 2026-08-01. Review status: criteria provided, single submitter. Criteria: CeGaT Center For Human Genetics Tuebingen Variant Classification Criteria Version 2. Collection method: clinical testing. Allele origin: germline. Affected: yes. Observed: 1 variant allele.
Comment: CTR9: BP4, BP7

Labcorp Genetics (formerly Invitae), Labcorp
Classification: Likely benign. Last evaluated: 2024-11-10. Review status: criteria provided, single submitter. Criteria: Invitae Variant Classification Sherloc (09022015). Collection method: clinical testing. Allele origin: germline.

NM_014633.5(CTR9):c.2100C>T (p.Ala700=)

Gene: CTR9 (CTR9 component of Paf1/RNA polymerase II complex; plus strand). Cytogenetic location: 11p15.4.
Variant type: single nucleotide variant.
Coding change: c.2100C>T on transcript NM_014633.5 (MANE Select); coding-DNA position 2100, C replaced by T.
Protein change: p.Ala700=; no amino-acid change (alanine 700 retained).
Molecular consequence: synonymous variant.
Genome position (GRCh38, 1-based): chr11:10,768,482, C>T. VCF-style: chr11-10768482-C-T. GRCh37 (hg19) VCF-style: chr11-10790029-C-T.
Other names: c.2100C>T, p.Ala700= (NM_001346279.2).
Identifiers: ClinVar variation 2884619 (VCV002884619.4), dbSNP rs201784129, ClinGen allele CA5885232.